The following is an entry in ClinVar:

ClinVar aggregate classification (germline): Uncertain significance (1 of 4 stars; one submission).

Conditions:
Symmetrical dyschromatosis of extremities (DSH). Also called: DYSCHROMATOSIS SYMMETRICA HEREDITARIA 1; RETICULATE ACROPIGMENTATION OF DOHI; SYMMETRIC DYSCHROMATOSIS OF THE EXTREMITIES; Dyschromatosis symmetrica hereditaria. Identifiers: Orphanet 41, MedGen C0406775, MONDO:0007483, OMIM 127400.
Aicardi-Goutieres syndrome 6 (AGS6). Identifiers: Orphanet 51, MedGen C3539013, MONDO:0014007, OMIM 615010.

Submission:

Labcorp Genetics (formerly Invitae), Labcorp
Classification: Uncertain significance for Aicardi-Goutieres syndrome 6; Symmetrical dyschromatosis of extremities. Last evaluated: 2026-01-01. Review status: criteria provided, single submitter. Criteria: Invitae Variant Classification Sherloc (09022015). Collection method: clinical testing. Allele origin: germline.
Comment: This sequence change replaces serine, which is neutral and polar, with arginine, which is basic and polar, at codon 217 of the ADAR protein (p.Ser217Arg). This variant is not present in population databases (gnomAD no frequency). This variant has not been reported in the literature in individuals affected with ADAR-related conditions. An algorithm developed to predict the effect of missense changes on protein structure and function outputs the following: PolyPhen-2: "Not Available". The arginine amino acid residue is found in multiple mammalian species, which suggests that this missense change does not adversely affect protein function. In summary, the available evidence is currently insufficient to determine the role of this variant in disease. Therefore, it has been classified as a Variant of Uncertain Significance.

NM_001111.5(ADAR):c.649A>C (p.Ser217Arg)

Gene: ADAR (adenosine deaminase RNA specific; minus strand). Cytogenetic location: 1q21.3.
Variant type: single nucleotide variant.
Coding change: c.649A>C on transcript NM_001111.5 (MANE Select); coding-DNA position 649, A replaced by C.
Protein change: p.Ser217Arg; replaces serine 217 with arginine.
Molecular consequence: missense variant. On other transcripts: 5 prime UTR variant (6).
Genome position (GRCh38, 1-based): chr1:154,601,993, T>G on the plus strand (A>C on the coding strand, the complement: ADAR is on the minus strand). VCF-style: chr1-154601993-T-G. GRCh37 (hg19) VCF-style: chr1-154574469-T-G.
Other names: c.-237A>C (NM_001025107.3, NM_001193495.2, NM_001365046.1 and 3 more transcripts); c.676A>C, p.Ser226Arg (NM_001365045.1); c.649A>C, p.Ser217Arg (NM_015840.4, NM_015841.4); short protein forms S217R, S226R.
Identifiers: ClinVar variation 4787176 (VCV004787176.1).